The following continues an entry in ClinVar:

NM_024675.4(PALB2):c.3350+5G>A

Gene: PALB2. ClinVar aggregate classification (germline): Pathogenic/Likely pathogenic. Pathogenic (1); Likely pathogenic (12).

Submissions 8 to 14 of 14:

Kong lab, Department of Laboratory Medicine, National Cancer Center
Classification: Likely pathogenic for Breast-ovarian cancer, familial, susceptibility to, 5. Last evaluated: 2024-02-24. Review status: criteria provided, single submitter. Criteria: ACMG Guidelines, 2015. Collection method: research. Allele origin: germline, not applicable. Inheritance: Autosomal dominant inheritance. Observed: 6 variant alleles, 6 heterozygotes. Functional consequence: effect on RNA splicing.
Comment: The c.3350+5G>A variant in PALB2 was identified in 6 patients out of 3,987 Korean cancer patients who underwent germline genetic testing. Functional analysis using RT-PCR and RNA sequencing revealed that this variant causes abnormal splicing, resulting in two distinct transcripts: one with exon 12 skipping and another with exon 11 and 12 skipping. The exon 11 and 12 skipping transcript causes an in-frame deletion of 78 amino acids (N1039-G1116) within the WD40 repeats domain of PALB2, which is critical for binding with RAD51C, RAD51, and BRCA2 in homologous recombination repair (Kang et al., 2024; PMID: 39999518). According to gnomAD v4.1.0, this variant is the most common PALB2 intronic variant in East Asia. Based on functional evidence demonstrating its impact on splicing and protein function, PALB2 c.3350+5G>A has been classified as likely pathogenic.

Myriad Genetics, Inc.
Classification: Likely pathogenic for Familial cancer of breast. Last evaluated: 2023-10-06. Review status: criteria provided, single submitter. Criteria: Myriad Autosomal Dominant, Autosomal Recessive and X-Linked Classification Criteria (2023). Collection method: clinical testing. Allele origin: unknown.
Comment: This variant is considered likely pathogenic. mRNA analysis has demonstrated abnormal mRNA splicing occurs [PMID: 30792206, 32133419, 34846068]. This variant has been observed homozygous in one or more individuals with Fanconi Anemia [PMID: 30792206].

Baylor Genetics
Classification: Likely pathogenic for Familial cancer of breast. Last evaluated: 2023-08-28. Review status: criteria provided, single submitter. Criteria: ACMG Guidelines, 2015. Collection method: clinical testing. Allele origin: unknown.

Mendelics
Classification: Likely pathogenic for Hereditary cancer-predisposing syndrome. Last evaluated: 2023-03-30. Review status: criteria provided, single submitter. Criteria: Mendelics Assertion Criteria 2017. Collection method: clinical testing. Allele origin: unknown.

Sema4
Classification: Likely pathogenic for Hereditary cancer-predisposing syndrome. Last evaluated: 2021-01-27. Review status: criteria provided, single submitter. Criteria: Sema4 Curation Guidelines. Collection method: curation. Allele origin: germline.
Comment: The PALB2 c.3350+5G>A variant has been reported in heterozygosity in at least one individual with pancreatic cancer (PMID: 29731985). It has also been reported as homozygous in at least one individual with Fanconi anemia (PMID: 30792206). Functional studies have shown that this variant alters the splicing leading to exon 12 skipping (PMID: 30890586). This variant was observed in 2/34592 chromosomes in the Latino population, according to the Genome Aggregation Database (PMID: 32461654). Based on the current evidence available, this variant is interpreted as a likely pathogenic.

Juno Genomics, Hangzhou Juno Genomics, Inc
Classification: Likely pathogenic for Breast-ovarian cancer, familial, susceptibility to, 5. Review status: criteria provided, single submitter. Criteria: ACMG Guidelines, 2015. Collection method: clinical testing. Allele origin: germline.
Comment: Null variant in a gene where loss of function (LOF) is a known mechanism of disease.;For recessive disorders, detected in trans with a pathogenic variant.

PreventionGenetics, part of Exact Sciences
Classification: Likely pathogenic for PALB2-related condition. Last evaluated: 2024-06-22. Review status: no assertion criteria provided. Collection method: clinical testing. Allele origin: germline. Not counted in ClinVar's aggregate classification.
Comment: The PALB2 c.3350+5G>A variant is predicted to interfere with splicing. This variant has been reported in the homozygous state in an individual with Fanconi anemia (Mori et al 2019. PubMed ID: 30792206). It has also been described in individuals with breast or pancreatic cancer, and two of these individuals also carried a frameshift variant in ATM (Kondo et al. 2018. PubMed ID: 29731985; Megid et al. 2022. PubMed ID: 36003761; Park et al. 2021. PubMed ID: 34793666). RNA studies indicate this variant causes exon 12 skipping (Mori et al. 2019. PubMed ID: 30792206; Lopez-Perolio et al. 2019. PubMed ID: 30890586; Valenzuela-Palomo et al. 2021. PubMed ID: 34846068). This variant is reported in 0.0058% of alleles in individuals of Latino descent in gnomAD and is interpreted as pathogenic or likely pathogenic in ClinVar. This variant is interpreted as likely pathogenic.

Literature cited by the submitters: PubMed 30792206 (cited by 8 submitters); PubMed 17576681 (cited by Labcorp Genetics (formerly Invitae), Labcorp and Quest Diagnostics Nichols Institute San Juan Capistrano); PubMed 9536098 (cited by Labcorp Genetics (formerly Invitae), Labcorp and Quest Diagnostics Nichols Institute San Juan Capistrano); PubMed 30890586 (cited by 6 submitters); PubMed 32133419 (cited by 5 submitters); PubMed 17200671 (cited by Labcorp Genetics (formerly Invitae), Labcorp); PubMed 20927582 (cited by Labcorp Genetics (formerly Invitae), Labcorp); PubMed 21165770 (cited by Labcorp Genetics (formerly Invitae), Labcorp); PubMed 21365267 (cited by Labcorp Genetics (formerly Invitae), Labcorp); PubMed 26283626 (cited by Labcorp Genetics (formerly Invitae), Labcorp); PubMed 26296701 (cited by Labcorp Genetics (formerly Invitae), Labcorp); PubMed 29731985 (cited by 5 submitters); PubMed 31642931 (cited by Women's Health and Genetics/Laboratory Corporation of America, LabCorp and Quest Diagnostics Nichols Institute San Juan Capistrano); PubMed 34793666 (cited by 3 submitters); PubMed 38355628 (cited by Women's Health and Genetics/Laboratory Corporation of America, LabCorp and Quest Diagnostics Nichols Institute San Juan Capistrano); PubMed 39272924 (cited by Women's Health and Genetics/Laboratory Corporation of America, LabCorp); PubMed 36978154 (cited by 3 submitters); PubMed 36003761 (cited by Women's Health and Genetics/Laboratory Corporation of America, LabCorp and Quest Diagnostics Nichols Institute San Juan Capistrano); PubMed 34846068 (cited by 3 submitters); PubMed 39999518 (cited by Quest Diagnostics Nichols Institute San Juan Capistrano and Kong lab, Department of Laboratory Medicine, National Cancer Center); PubMed 32238468 (cited by Quest Diagnostics Nichols Institute San Juan Capistrano and Color Diagnostics, LLC DBA Color Health); PubMed 35676859 (cited by Quest Diagnostics Nichols Institute San Juan Capistrano and Color Diagnostics, LLC DBA Color Health); PubMed 28319063 (cited by Quest Diagnostics Nichols Institute San Juan Capistrano).